The following is an entry in ClinVar:

NM_144997.7(FLCN):c.166A>G (p.Ser56Gly)

Gene: FLCN (folliculin; minus strand). Cytogenetic location: 17p11.2.
Variant type: single nucleotide variant.
Coding change: c.166A>G on transcript NM_144997.7 (MANE Select); coding-DNA position 166, A replaced by G.
Protein change: p.Ser56Gly; replaces serine 56 with glycine.
Molecular consequence: missense variant.
Genome position (GRCh38, 1-based): chr17:17,227,972, T>C on the plus strand (A>G on the coding strand, the complement: FLCN is on the minus strand). VCF-style: chr17-17227972-T-C. GRCh37 (hg19) VCF-style: chr17-17131286-T-C.
Other names: c.166A>G, p.Ser56Gly (NM_001353229.2, NM_001353230.2, NM_001353231.2 and 1 more transcripts); short protein forms S56G.
Identifiers: ClinVar variation 4721639 (VCV004721639.1).

ClinVar aggregate classification (germline): Uncertain significance (1 of 4 stars; one submission).

Conditions:
Birt-Hogg-Dube syndrome. Also called: Birt Hogg Dubé syndrome. Identifiers: Orphanet 122, MedGen C0346010, MONDO:0800444.

Submission:

Labcorp Genetics (formerly Invitae), Labcorp
Classification: Uncertain significance for Birt-Hogg-Dube syndrome. Last evaluated: 2025-06-18. Review status: criteria provided, single submitter. Criteria: Invitae Variant Classification Sherloc (09022015). Collection method: clinical testing. Allele origin: germline.
Comment: This sequence change replaces serine, which is neutral and polar, with glycine, which is neutral and non-polar, at codon 56 of the FLCN protein (p.Ser56Gly). This variant is present in population databases (no rsID available, gnomAD 0.003%). This variant has not been reported in the literature in individuals affected with FLCN-related conditions. An algorithm developed to predict the effect of missense changes on protein structure and function outputs the following: PolyPhen-2: "Benign". The glycine amino acid residue is found in multiple mammalian species, which suggests that this missense change does not adversely affect protein function. In summary, the available evidence is currently insufficient to determine the role of this variant in disease. Therefore, it has been classified as a Variant of Uncertain Significance.